The following is an entry in ClinVar:

ClinVar aggregate classification (germline): Pathogenic (1 of 4 stars; one submission).

Submission:

CeGaT Center for Human Genetics Tuebingen
Classification: Pathogenic. Last evaluated: 2022-05-01. Review status: criteria provided, single submitter. Criteria: CeGaT Center For Human Genetics Tuebingen Variant Classification Criteria Version 2. Collection method: clinical testing. Allele origin: germline. Affected: yes. Observed: 1 variant allele.
Comment: SMC1A: PVS1, PS2, PM2

NM_006306.4(SMC1A):c.1692dup (p.Gly565fs)

Gene: SMC1A (structural maintenance of chromosomes 1A; minus strand). Cytogenetic location: Xp11.22.
Variant type: Duplication.
Coding change: c.1692dup on transcript NM_006306.4 (MANE Select); coding-DNA position 1692, one base duplicated (T; older notation c.1692dupT).
Protein change: p.Gly565fs; shifts the reading frame from glycine 565.
Molecular consequence: frameshift variant.
Genome position (GRCh38, 1-based): chrX:53,405,810, A duplicated on the plus strand (T on the coding strand, the reverse complement: SMC1A is on the minus strand). VCF-style (leftmost placement, unchanged base first): chrX-53405809-C-CA. GRCh37 (hg19) VCF-style: chrX-53432741-C-CA.
Other names: c.1626dup, p.Gly543fs (NM_001281463.1); short protein forms G543fs, G565fs.
Identifiers: ClinVar variation 1695303 (VCV001695303.31), dbSNP rs2146600016, ClinGen allele CA2580101207.